The following is an entry in ClinVar:

ClinVar aggregate classification (germline): Uncertain significance. Review status: criteria provided, multiple submitters, no conflicts (2 of 4 stars). 3 submissions from 3 submitters: Uncertain significance (3). Last evaluated 2026-03-03.

Conditions:
Progressive myoclonic epilepsy type 3. Also called: EPILEPSY, PROGRESSIVE MYOCLONIC, 3, WITHOUT INTRACELLULAR INCLUSIONS; KCTD7-Related Progressive Myoclonic Epilepsy; EPILEPSY, PROGRESSIVE MYOCLONIC, 3, WITH OR WITHOUT INTRACELLULAR INCLUSIONS; CEROID LIPOFUSCINOSIS, NEURONAL, 14. Identifiers: Orphanet 263516, MedGen C2673257, MONDO:0012721, OMIM 611726.

Allele frequency attached by ClinVar (database versions not stated): ESP Exome Variant Server 0.00008; gnomAD exomes 0.00012; TOPMed 0.00015; gnomAD 0.00016 and 0.00017; ExAC 0.00007.
gnomAD v4.1: 143 of 1,614,090 alleles (0.0089%); highest among the groups gnomAD compares: Admixed American, 0.038%; no homozygotes.

Submissions (3):

Women's Health and Genetics/Laboratory Corporation of America, LabCorp
Classification: Uncertain significance. Last evaluated: 2026-03-03. Review status: criteria provided, single submitter. Criteria: LabCorp Variant Classification Summary - May 2015. Collection method: clinical testing. Allele origin: germline.
Comment: Variant summary: KCTD7 c.361C>T (p.Arg121Cys) results in a non-conservative amino acid change in the encoded protein sequence. Algorithms developed to predict the effect of missense changes on protein structure and function are either unavailable or do not agree on the potential impact of this missense change. The variant allele was found at a frequency of 0.00012 in 251456 control chromosomes. This frequency is not significantly higher than estimated for disease-causing variants in KCTD7, allowing no conclusion about variant significance. To our knowledge, no occurrence of c.361C>T in individuals affected with KCTD7-related conditions and no experimental evidence demonstrating its impact on protein function have been reported. ClinVar contains an entry for this variant (Variation ID: 469103). Based on the evidence outlined above, the variant was classified as uncertain significance.

Labcorp Genetics (formerly Invitae), Labcorp
Classification: Uncertain significance for Progressive myoclonic epilepsy type 3. Last evaluated: 2022-09-01. Review status: criteria provided, single submitter. Criteria: Invitae Variant Classification Sherloc (09022015). Collection method: clinical testing. Allele origin: germline.
Comment: This sequence change replaces arginine, which is basic and polar, with cysteine, which is neutral and slightly polar, at codon 121 of the KCTD7 protein (p.Arg121Cys). This variant is present in population databases (rs199604642, gnomAD 0.04%). This variant has not been reported in the literature in individuals affected with KCTD7-related conditions. ClinVar contains an entry for this variant (Variation ID: 469103). Algorithms developed to predict the effect of missense changes on protein structure and function (SIFT, PolyPhen-2, Align-GVGD) all suggest that this variant is likely to be disruptive. In summary, the available evidence is currently insufficient to determine the role of this variant in disease. Therefore, it has been classified as a Variant of Uncertain Significance.

GeneDx
Classification: Uncertain significance. Last evaluated: 2020-02-14. Review status: criteria provided, single submitter. Criteria: GeneDx Variant Classification Process June 2021. Collection method: clinical testing. Allele origin: germline. Affected: yes.
Comment: In silico analysis supports that this missense variant has a deleterious effect on protein structure/function; Has not been previously published as pathogenic or benign to our knowledge

NM_153033.5(KCTD7):c.361C>T (p.Arg121Cys)

Gene: KCTD7 (potassium channel tetramerization domain containing 7; plus strand). Cytogenetic location: 7q11.21.
Variant type: single nucleotide variant.
Coding change: c.361C>T on transcript NM_153033.5 (MANE Select); coding-DNA position 361, C replaced by T.
Protein change: p.Arg121Cys; replaces arginine 121 with cysteine.
Molecular consequence: missense variant.
Genome position (GRCh38, 1-based): chr7:66,638,299, C>T. VCF-style: chr7-66638299-C-T. GRCh37 (hg19) VCF-style: chr7-66103286-C-T.
Other names: c.361C>T, p.Arg121Cys (NM_001167961.2); short protein forms R121C.
Identifiers: ClinVar variation 469103 (VCV000469103.9), dbSNP rs199604642, ClinGen allele CA4278241.
Genomic context (GRCh38, chr7:66,638,299, plus strand): 5'-TCCTTCCTGCTTAGAGATGTGCTGAATTTCCTGCGCTCAGGGGACCTCCCACCCAGGGAG[C>T]GTGTTCGAGCTGTGTACAAAGAGGCCCAGTACTATGCCATCGGGCCCCTCCTGGAGCAGC-3'
Protein context (NP_694578.1, residues 111-131): LRSGDLPPRE[Arg121Cys]VRAVYKEAQY